The following is an entry in ClinVar:

NM_181783.4(TMTC3):c.2181G>C (p.Glu727Asp)

Gene: TMTC3 (transmembrane O-mannosyltransferase targeting cadherins 3; plus strand). Cytogenetic location: 12q21.32.
Variant type: single nucleotide variant.
Coding change: c.2181G>C on transcript NM_181783.4 (MANE Select); coding-DNA position 2181, G replaced by C.
Protein change: p.Glu727Asp; replaces glutamic acid 727 with aspartic acid.
Molecular consequence: missense variant. On other transcripts: non-coding transcript variant (1).
Genome position (GRCh38, 1-based): chr12:88,195,085, G>C. VCF-style: chr12-88195085-G-C. GRCh37 (hg19) VCF-style: chr12-88588862-G-C.
Other names: c.2001G>C, p.Glu667Asp (NM_001366574.1); c.1962G>C, p.Glu654Asp (NM_001366579.1); c.1914G>C, p.Glu638Asp (NM_001366580.1); c.1488G>C, p.Glu496Asp (NM_001366583.1); short protein forms E654D, E727D, E496D, E638D, E667D.
Identifiers: ClinVar variation 2121438 (VCV002121438.4), dbSNP rs2502044825, ClinGen allele CA386119107.

ClinVar aggregate classification (germline): Uncertain significance (1 of 4 stars; one submission).

Submission:

Labcorp Genetics (formerly Invitae), Labcorp
Classification: Uncertain significance. Last evaluated: 2022-04-04. Review status: criteria provided, single submitter. Criteria: Invitae Variant Classification Sherloc (09022015). Collection method: clinical testing. Allele origin: germline.
Comment: This sequence change replaces glutamic acid, which is acidic and polar, with aspartic acid, which is acidic and polar, at codon 727 of the TMTC3 protein (p.Glu727Asp). In summary, the available evidence is currently insufficient to determine the role of this variant in disease. Therefore, it has been classified as a Variant of Uncertain Significance. Algorithms developed to predict the effect of missense changes on protein structure and function output the following: SIFT: "Tolerated"; PolyPhen-2: "Benign"; Align-GVGD: "Class C0". The aspartic acid amino acid residue is found in multiple mammalian species, which suggests that this missense change does not adversely affect protein function. This variant has not been reported in the literature in individuals affected with TMTC3-related conditions. This variant is not present in population databases (gnomAD no frequency).